The following is an entry in ClinVar:

NM_004036.5(ADCY3):c.1645G>A (p.Glu549Lys)

Gene: ADCY3 (adenylate cyclase 3; minus strand). Cytogenetic location: 2p23.3.
Variant type: single nucleotide variant.
Coding change: c.1645G>A on transcript NM_004036.5 (MANE Select); coding-DNA position 1645, G replaced by A.
Protein change: p.Glu549Lys; replaces glutamic acid 549 with lysine.
Molecular consequence: missense variant.
Genome position (GRCh38, 1-based): chr2:24,836,934, C>T on the plus strand (G>A on the coding strand, the complement: ADCY3 is on the minus strand). VCF-style: chr2-24836934-C-T. GRCh37 (hg19) VCF-style: chr2-25059803-C-T.
Other names: c.1645G>A, p.Glu549Lys (NM_001320613.2, NM_001377129.1, NM_001377130.1 and 1 more transcripts); c.1711G>A, p.Glu571Lys (NM_001377128.1); c.922G>A, p.Glu308Lys (NM_001377131.1); short protein forms E308K, E549K, E571K.
Identifiers: ClinVar variation 3032012 (VCV003032012.3), dbSNP rs549867892, ClinGen allele CA1554061.
Genomic context (GRCh38, chr2:24,836,934, plus strand): 5'-CATCTGGCCCTCAGTGACCCCCTGCCCTGAGCCCTGCACATACCTGGGCATCCTGCTCCT[C>T]GGGCTTCTCCGACGTGGACCCACTGCTGTGGGCACTCCCGTTGGGCTCCTTGGTCTCAAT-3'
Protein context (NP_004027.2, residues 539-559): HSSGSTSEKP[Glu549Lys]EQDAQADNPS

ClinVar aggregate classification (germline): Uncertain significance (1 of 4 stars; one submission).

Conditions:
ADCY3-related disorder. Also called: ADCY3-related condition.

Allele frequency attached by ClinVar (database versions not stated): TOPMed 0.00002; ExAC 0.00003; gnomAD 0.00003; gnomAD exomes 0.00004.
gnomAD v4.1: 68 of 1,613,028 alleles (0.0042%); highest among the groups gnomAD compares: South Asian, 0.011%; no homozygotes.

Submission:

PreventionGenetics, part of Exact Sciences
Classification: Uncertain significance for ADCY3-related condition. Last evaluated: 2026-02-11. Review status: criteria provided, single submitter. Criteria: ACMG Guidelines, 2015. Collection method: clinical testing. Allele origin: germline.
Comment: The ADCY3 c.1645G>A variant is predicted to result in the amino acid substitution p.Glu549Lys. To our knowledge, this variant has not been reported in the literature. This variant is reported in 0.015% of alleles in individuals of East Asian descent in gnomAD. At this time, the clinical significance of this variant is uncertain due to the absence of conclusive functional and genetic evidence.